The following is an entry in ClinVar:

Single allele

Genes: SAFB2 (scaffold attachment factor B2; minus strand), TINCR (TINCR ubiquitin domain containing; minus strand), LOC111828495 (Sharpr-MPRA regulatory regions 733 and 12449; plus strand). Cytogenetic location: 19p13.3.
Variant type: Deletion.
Identifiers: ClinVar variation 157428 (VCV000157428.2).

ClinVar aggregate classification (germline): not provided (0 of 4 stars; one submission).

Conditions:
Preeclampsia. Identifiers: Orphanet 275555, MedGen C0032914, MONDO:0005081, HP:0100602.

Submission:

Institute of Molecular and Cell Biology, University of Tartu
No classification provided. Condition: Preeclampsia. Review status: no classification provided. Collection method: case-control. Allele origin: unknown. Affected: yes. Study: Kasak2014.
Comment: The study aimed to determine the contribution of copy number variants in the genetic etiology of normal and complicated pregnancies. The samples represented (i) maternal blood DNA drawn from healthy pregnant women during 1st or 2nd trimester and (ii) maternal and paternal blood DNA drawn at term pregnancy cases representing normal and complicated gestations (severe preeclampsia, PE; gestational diabetes, GD; small-for-gestational age newborn, SGA; large-for-gestational age newborn, LGA). We performed CNV calling based on genome-wide genotyping dataset (Illumina HumanOmniExpress-24-v1 BeadChip) by applying three algorithms, QuantiSNP, GADA (Genome Alteration Detection Algorithm) and CNstream in parallel. The acquired CNV calls were merged with HD-CNV (Hotspot Detector for Copy Number Variants) program and only the CNVs predicted by at least two programs, were considered in subsequent analysis.

Literature cited by the submitters: PubMed 25666259.